The following is an entry in ClinVar:

ClinVar aggregate classification (germline): Pathogenic (1 of 4 stars; one submission).

Submission:

GeneDx
Classification: Pathogenic. Last evaluated: 2013-11-21. Review status: criteria provided, single submitter. Criteria: GeneDx Variant Classification (06012015). Collection method: clinical testing. Allele origin: germline. Affected: yes.
Comment: c.968delC:p.Thr323AsnfsX5 (T323NfsX5) in exon 10 of the PDSS1 gene (NM_014317.3). The normal sequence with the bases that are deleted in braces is: ACCAA{C}ATC. The c.968delC mutation in the PDSS1 gene causes a frameshift starting with codon Threonine 323, changes this amino acid to an Asparagine residue, and creates a premature Stop codon at position 5 of the new reading frame, denoted p.Thr323AsnfsX5. This mutation is predicted to cause loss of normal protein function either through protein truncation or nonsense-mediated mRNA decay. Although this mutation has not been previously reported to our knowledge, we interpret it as a disease-causing mutation. The variant is found in PDSS1 panel(s).

NM_014317.5(PDSS1):c.968del (p.Thr323fs)

Gene: PDSS1 (decaprenyl diphosphate synthase subunit 1; plus strand). Cytogenetic location: 10p12.1.
Variant type: Deletion.
Coding change: c.968del on transcript NM_014317.5 (MANE Select); coding-DNA position 968, one base deleted (C; older notation c.968delC).
Protein change: p.Thr323fs; shifts the reading frame from threonine 323.
Molecular consequence: frameshift variant. On other transcripts: intron variant (1).
Genome position (GRCh38, 1-based): chr10:26,735,521, C deleted. VCF-style (leftmost placement, unchanged base first): chr10-26735520-AC-A. GRCh37 (hg19) VCF-style: chr10-27024449-AC-A.
Other names: c.458del, p.Thr153fs (NM_001321979.2); c.836-6976del (NM_001321978.2); short protein forms T323fs, T153fs.
Identifiers: ClinVar variation 214985 (VCV000214985.1), dbSNP rs863224163, ClinGen allele CA323700.